The following is an entry in ClinVar:

NM_001083962.2(TCF4):c.1806C>G (p.Asp602Glu)

Gene: TCF4 (transcription factor 4; minus strand). Cytogenetic location: 18q21.2.
Variant type: single nucleotide variant.
Coding change: c.1806C>G on transcript NM_001083962.2 (MANE Select); coding-DNA position 1806, C replaced by G.
Protein change: p.Asp602Glu; replaces aspartic acid 602 with glutamic acid.
Molecular consequence: missense variant.
Genome position (GRCh38, 1-based): chr18:55,228,920, G>C on the plus strand (C>G on the coding strand, the complement: TCF4 is on the minus strand). VCF-style: chr18-55228920-G-C. GRCh37 (hg19) VCF-style: chr18-52896151-G-C.
Other names: c.2112C>G, p.Asp704Glu (NM_001243226.3); c.1734C>G, p.Asp578Glu (NM_001243227.2, NM_001348218.2, NM_001348217.1 and 1 more transcripts); c.1824C>G, p.Asp608Glu (NM_001243228.2); c.1785C>G, p.Asp595Glu (NM_001243230.2); c.1668C>G, p.Asp556Glu (NM_001243231.2); c.1593C>G, p.Asp531Glu (NM_001243232.1); c.1404C>G, p.Asp468Glu (NM_001243233.2, NM_001348212.2); c.1326C>G, p.Asp442Glu (NM_001243234.2, NM_001348216.2); and 14 more; short protein forms D386E, D437E, D438E, D442E, D468E, D472E, D527E, D531E.
Identifiers: ClinVar variation 1051229 (VCV001051229.9), dbSNP rs763359401, ClinGen allele CA402528605.

ClinVar aggregate classification (germline): Uncertain significance (1 of 4 stars; one submission).

Conditions:
Pitt-Hopkins syndrome (PTHS). Also called: ENCEPHALOPATHY, SEVERE EPILEPTIC, WITH AUTONOMIC DYSFUNCTION; MENTAL RETARDATION, SYNDROMAL, WITH INTERMITTENT HYPERVENTILATION. Identifiers: Orphanet 2896, MedGen C1970431, MONDO:0012589, OMIM 610954.

Submission:

Labcorp Genetics (formerly Invitae), Labcorp
Classification: Uncertain significance for Pitt-Hopkins syndrome. Last evaluated: 2020-01-19. Review status: criteria provided, single submitter. Criteria: Invitae Variant Classification Sherloc (09022015). Collection method: clinical testing. Allele origin: germline.
Comment: This variant has not been reported in the literature in individuals with TCF4-related conditions. Algorithms developed to predict the effect of missense changes on protein structure and function (SIFT, PolyPhen-2, Align-GVGD) all suggest that this variant is likely to be tolerated, but these predictions have not been confirmed by published functional studies and their clinical significance is uncertain. In summary, the available evidence is currently insufficient to determine the role of this variant in disease. Therefore, it has been classified as a Variant of Uncertain Significance. This variant is not present in population databases (ExAC no frequency). This sequence change replaces aspartic acid with glutamic acid at codon 602 of the TCF4 protein (p.Asp602Glu). The aspartic acid residue is highly conserved and there is a small physicochemical difference between aspartic acid and glutamic acid.